The following is an entry in ClinVar:

ClinVar aggregate classification (germline): Pathogenic (1 of 4 stars; one submission).

Submission:

GeneDx
Classification: Pathogenic. Last evaluated: 2019-10-22. Review status: criteria provided, single submitter. Criteria: GeneDx Variant Classification Process June 2021. Collection method: clinical testing. Allele origin: germline. Affected: yes.
Comment: Canonical splice site variant in a gene for which loss-of-function is a known mechanism of disease; Not observed in large population cohorts (Lek et al., 2016); Has not been previously published as pathogenic or benign to our knowledge

NM_001330288.2(SMARCC2):c.956+1G>T

Gene: SMARCC2 (SWI/SNF related, matrix associated, actin dependent regulator of chromatin subfamily c member 2; minus strand). Cytogenetic location: 12q13.2.
Variant type: single nucleotide variant.
Coding change: c.956+1G>T on transcript NM_001330288.2 (MANE Select); the canonical splice donor site of the intron after coding-DNA position 956, G replaced by T.
Molecular consequence: splice donor variant.
Genome position (GRCh38, 1-based): chr12:56,181,481, C>A on the plus strand (G>T on the coding strand, the complement: SMARCC2 is on the minus strand). VCF-style: chr12-56181481-C-A. GRCh37 (hg19) VCF-style: chr12-56575265-C-A.
Other names: c.956+1G>T (NM_001130420.3, NM_003075.5, NM_139067.4).
Identifiers: ClinVar variation 1200145 (VCV001200145.3), dbSNP rs2135733425, ClinGen allele CA385353172.